The following is an entry in ClinVar:

NM_153252.5(BRWD3):c.3373G>T (p.Glu1125Ter)

Gene: BRWD3 (bromodomain and WD repeat domain containing 3; minus strand). Cytogenetic location: Xq21.1.
Variant type: single nucleotide variant.
Coding change: c.3373G>T on transcript NM_153252.5 (MANE Select); coding-DNA position 3373, G replaced by T.
Protein change: p.Glu1125Ter; replaces glutamic acid 1125 with a stop codon.
Molecular consequence: nonsense.
Genome position (GRCh38, 1-based): chrX:80,691,931, C>A on the plus strand (G>T on the coding strand, the complement: BRWD3 is on the minus strand). VCF-style: chrX-80691931-C-A. GRCh37 (hg19) VCF-style: chrX-79947430-C-A.
Other names: short protein forms E1125*.
Identifiers: ClinVar variation 4073522 (VCV004073522.1).

ClinVar aggregate classification (germline): Likely pathogenic (1 of 4 stars; one submission).

Conditions:
Intellectual developmental disorder, X-linked 93. Also called: MENTAL RETARDATION, X-LINKED, WITH MACROCEPHALY; Intellectual disability, X-linked 93. Identifiers: MedGen C1970841, MONDO:0010393, OMIM 300659.

Submission:

Clinical Genetics Laboratory, Skane University Hospital Lund
Classification: Likely pathogenic for Intellectual developmental disorder, X-linked 93. Last evaluated: 2025-08-07. Review status: criteria provided, single submitter. Criteria: ACMG Guidelines, 2015. Collection method: clinical testing. Allele origin: germline. Inheritance: X-linked recessive inheritance. Affected: yes.
Comment: ACMG-criteria: PVS1 och PM2